The following is an entry in ClinVar:

NM_012293.3(PXDN):c.2787G>A (p.Leu929=)

Gene: PXDN (peroxidasin; minus strand). Cytogenetic location: 2p25.3.
Variant type: single nucleotide variant.
Coding change: c.2787G>A on transcript NM_012293.3 (MANE Select); coding-DNA position 2787, G replaced by A.
Protein change: p.Leu929=; no amino-acid change (leucine 929 retained).
Molecular consequence: synonymous variant.
Genome position (GRCh38, 1-based): chr2:1,648,993, C>T on the plus strand (G>A on the coding strand, the complement: PXDN is on the minus strand). VCF-style: chr2-1648993-C-T. GRCh37 (hg19) VCF-style: chr2-1652765-C-T.
Identifiers: ClinVar variation 767425 (VCV000767425.6), dbSNP rs753095408, ClinGen allele CA1512891.

ClinVar aggregate classification (germline): Likely benign. Review status: criteria provided, single submitter (1 of 4 stars). 2 submissions from 2 submitters: Likely benign (1). 1 of the submissions does not count toward it. Last evaluated 2019-12-31.

Conditions:
PXDN-related disorder. Also called: PXDN-related condition.
Anterior segment dysgenesis 7 (ASGD7). Also called: Anterior segment dysgenesis 7, with sclerocornea; SCLEROCORNEA WITH OTHER OCULAR ANOMALIES. Identifiers: Orphanet 289499, MedGen C3151617, MONDO:0010015, OMIM 269400.

Allele frequency attached by ClinVar (database versions not stated): ExAC 0.00003; gnomAD exomes 0.00004; gnomAD 0.00013 and 0.00015; TOPMed 0.00021.
gnomAD v4.1: 32 of 1,611,348 alleles (0.002%); highest among the groups gnomAD compares: African/African-American, 0.04%; no homozygotes.

Submissions (2):

Labcorp Genetics (formerly Invitae), Labcorp
Classification: Likely benign for Anterior segment dysgenesis 7. Last evaluated: 2019-12-31. Review status: criteria provided, single submitter. Criteria: Invitae Variant Classification Sherloc (09022015). Collection method: clinical testing. Allele origin: germline.

PreventionGenetics, part of Exact Sciences
Classification: Likely benign for PXDN-related condition. Last evaluated: 2019-10-28. Review status: no assertion criteria provided. Collection method: clinical testing. Allele origin: germline. Not counted in ClinVar's aggregate classification.
Comment: This variant is classified as likely benign based on ACMG/AMP sequence variant interpretation guidelines (Richards et al. 2015 PMID: 25741868, with internal and published modifications).